The following is an entry in ClinVar:

NM_031844.3(HNRNPU):c.1895C>A (p.Ala632Glu)

Gene: HNRNPU (heterogeneous nuclear ribonucleoprotein U; minus strand). Cytogenetic location: 1q44.
Variant type: single nucleotide variant.
Coding change: c.1895C>A on transcript NM_031844.3 (MANE Select); coding-DNA position 1895, C replaced by A.
Protein change: p.Ala632Glu; replaces alanine 632 with glutamic acid.
Molecular consequence: missense variant.
Genome position (GRCh38, 1-based): chr1:244,856,474, G>T on the plus strand (C>A on the coding strand, the complement: HNRNPU is on the minus strand). VCF-style: chr1-244856474-G-T. GRCh37 (hg19) VCF-style: chr1-245019776-G-T.
Other names: c.1838C>A, p.Ala613Glu (NM_004501.3); short protein forms A613E, A632E.
Identifiers: ClinVar variation 1304173 (VCV001304173.2), dbSNP rs868735439, ClinGen allele CA345488790.

ClinVar aggregate classification (germline): Uncertain significance (1 of 4 stars; one submission).

Submission:

GeneDx
Classification: Uncertain significance. Last evaluated: 2019-04-30. Review status: criteria provided, single submitter. Criteria: GeneDx Variant Classification Process June 2021. Collection method: clinical testing. Allele origin: germline. Affected: yes.
Comment: Not observed in large population cohorts (Lek et al., 2016); In silico analysis, which includes protein predictors and evolutionary conservation, supports a deleterious effect; Has not been previously published as pathogenic or benign to our knowledge